The following is an entry in ClinVar:

ClinVar aggregate classification (germline): Benign (1 of 4 stars; one submission).

Allele frequency attached by ClinVar (database versions not stated): gnomAD 0.03601 and 0.03850; 1000 Genomes Project 0.04026; 1000 Genomes Project 30x 0.04037; TOPMed 0.04273.
gnomAD v4.1: 3,994 of 111,564 alleles (3.6%); highest among the groups gnomAD compares: African/African-American, 12%; 157 homozygotes.

Submission:

GeneDx
Classification: Benign. Last evaluated: 2018-06-18. Review status: criteria provided, single submitter. Criteria: GeneDx Variant Classification (06012015). Collection method: clinical testing. Allele origin: germline. Affected: yes.
Comment: This variant is considered likely benign or benign based on one or more of the following criteria: it is a conservative change, it occurs at a poorly conserved position in the protein, it is predicted to be benign by multiple in silico algorithms, and/or has population frequency not consistent with disease.

NM_004006.3(DMD):c.6912+277G>A

Gene: DMD (dystrophin; minus strand). Cytogenetic location: Xp21.1.
Variant type: single nucleotide variant.
Coding change: c.6912+277G>A on transcript NM_004006.3 (MANE Select); 277 bases into the intron after coding-DNA position 6912, G replaced by A.
Molecular consequence: intron variant.
Genome position (GRCh38, 1-based): chrX:31,929,319, C>T on the plus strand (G>A on the coding strand, the complement: DMD is on the minus strand). VCF-style: chrX-31929319-C-T. GRCh37 (hg19) VCF-style: chrX-31947436-C-T.
Other names: c.6888+277G>A (NM_000109.4); c.2889+277G>A (NM_004011.4); c.2880+277G>A (NM_004012.4); c.-469+277G>A (NM_004023.3, NM_004020.4, NM_004022.3 and 2 more transcripts); c.6900+277G>A (NM_004009.3); c.6543+277G>A (NM_004010.3).
Identifiers: ClinVar variation 680940 (VCV000680940.1), dbSNP rs111538285, ClinGen allele CA328487619.